The following is an entry in ClinVar:

ClinVar aggregate classification (germline): Uncertain significance. Review status: criteria provided, single submitter (1 of 4 stars). 4 submissions from 4 submitters: Uncertain significance (1). 3 of the submissions do not count toward it. Last evaluated 2023-06-01.

Conditions:
DOHH related neurodevelopmental disorder.
Neurodevelopmental disorder with microcephaly, cerebral atrophy, and visual impairment (NEDMVIC). Identifiers: MedGen C5774225, MONDO:0859293, OMIM 620066.

Allele frequency attached by ClinVar (database versions not stated): gnomAD exomes 0.00002 and 0.00009; gnomAD 0.00003; TOPMed 0.00005.
gnomAD v4.1: 123 of 1,506,464 alleles (0.0082%); highest among the groups gnomAD compares: Non-Finnish European, 0.011%; no homozygotes.

Submissions (4):

Illumina Laboratory Services, Illumina
Classification: Uncertain significance for Neurodevelopmental disorder with microcephaly, cerebral atrophy, and visual impairment. Last evaluated: 2023-06-01. Review status: criteria provided, single submitter. Criteria: ICSLVariantClassificationCriteria RUGD 01 April 2020. Collection method: clinical testing. Allele origin: unknown.
Comment: The DOHH c.668C>T, p.(Pro223Leu) variant was identified in trans with a likely pathogenic variant in a patient with neurodevelopmental abnormalities (Ziegler et al 2022). Purified recombinant protein containing this variant was found to have an in-vitro enzymatic activity that was comparable to that of the wild-type protein (Ziegler et al 2022). The highest frequency of this allele in the Genome Aggregation Database is 0.000078 in the European (non-Finnish) population, with no homozygous individuals reported (version 2.1.1). Multiple lines of computational evidence are inconclusive as to whether or not this variant will impact the gene or gene product. Based on the available evidence, the c.668C>T, p.(Pro223Leu) variant is classified as a variant of uncertain significance for neurodevelopmental disorder with microcephaly, cerebral atrophy, and visual impairment.

OMIM
Classification: Pathogenic for NEURODEVELOPMENTAL DISORDER WITH MICROCEPHALY, CEREBRAL ATROPHY, AND VISUAL IMPAIRMENT. Last evaluated: 2022-09-30. Review status: no assertion criteria provided. Collection method: literature only. Allele origin: germline. Not counted in ClinVar's aggregate classification.

Spanish Undiagnosed Rare Disease Program-IIER, Instituto de Salud Carlos III
Classification: Pathogenic for DOHH related neurodevelopmental disorder. Last evaluated: 2022-08-17. Review status: no assertion criteria provided. Collection method: clinical testing. Allele origin: inherited. Affected: yes. Observed: 3 variant alleles. Clinical features observed: Macrotia, Astigmatism, Hypermetropia, Esotropia, Horizontal nystagmus, Aggressive behavior, Stereotypy, Short attention span, Delayed speech and language development, Intellectual disability, Dysarthria, Motor delay, and 7 more. Not counted in ClinVar's aggregate classification.

Department of Genetics, CHU d'Angers
Classification: Pathogenic for DOHH related neurodevelopmental disorder. Last evaluated: 2021-09-22. Review status: no assertion criteria provided. Collection method: research. Allele origin: germline. Affected: yes. Not counted in ClinVar's aggregate classification.

Literature cited by the submitters: PubMed 35858628 (cited by OMIM).

NM_001145165.2(DOHH):c.668C>T (p.Pro223Leu)

Gene: DOHH (deoxyhypusine hydroxylase; minus strand). Cytogenetic location: 19p13.3.
Variant type: single nucleotide variant.
Coding change: c.668C>T on transcript NM_001145165.2 (MANE Select); coding-DNA position 668, C replaced by T.
Protein change: p.Pro223Leu; replaces proline 223 with leucine.
Molecular consequence: missense variant.
Genome position (GRCh38, 1-based): chr19:3,491,733, G>A on the plus strand (C>T on the coding strand, the complement: DOHH is on the minus strand). VCF-style: chr19-3491733-G-A. GRCh37 (hg19) VCF-style: chr19-3491731-G-A.
Other names: c.668C>T, p.Pro223Leu (NM_031304.5); short protein forms P223L.
Identifiers: ClinVar variation 1285606 (VCV001285606.4), dbSNP rs1031622115, ClinGen allele CA304363278.
Genomic context (GRCh38, chr19:3,491,733, plus strand): 5'-GCGCACTCGTGCCGCACCATGGGGTTCTCGGTGCATCGGGCCAGGGCGGCCGCCAGCTGG[G>A]GCACCGCCGCCTCGTGCTGCAGCTGTCCCAGGACGTAGCCGACCTCGTGGCGGAAGAGGG-3'
Protein context (NP_001138637.1, residues 213-233): LGQLQHEAAV[Pro223Leu]QLAAALARCT